The following is an entry in ClinVar:

NM_020778.5(ALPK3):c.920C>A (p.Ala307Asp)

Gene: ALPK3 (alpha kinase 3; plus strand). Cytogenetic location: 15q25.3.
Variant type: single nucleotide variant.
Coding change: c.920C>A on transcript NM_020778.5 (MANE Select); coding-DNA position 920, C replaced by A.
Protein change: p.Ala307Asp; replaces alanine 307 with aspartic acid.
Molecular consequence: missense variant.
Genome position (GRCh38, 1-based): chr15:84,840,199, C>A. VCF-style: chr15-84840199-C-A. GRCh37 (hg19) VCF-style: chr15-85383430-C-A.
Other names: short protein forms A307D.
Identifiers: ClinVar variation 3227445 (VCV003227445.1), dbSNP rs1963644421, ClinGen allele CA393373780.
Genomic context (GRCh38, chr15:84,840,199, plus strand): 5'-ACGGAGAGCATGGCTTGCTGACATACATCTGTGACGCCATGGAGCTGGGGCCTCAGAGAG[C>A]CCTCAAAGAGGAGAGTGGGGCCAAGAAGAAAAAGAAAGATGAGGAATCCAAGCAAGGCCT-3'
Protein context (NP_065829.4, residues 297-317): CDAMELGPQR[Ala307Asp]LKEESGAKKK

ClinVar aggregate classification (germline): Uncertain significance (1 of 4 stars; one submission).

Conditions:
Cardiovascular phenotype. Identifiers: MedGen CN230736.

Allele frequency attached by ClinVar (database versions not stated): TOPMed below 0.00001.

Submission:

Ambry Genetics
Classification: Uncertain significance for Cardiovascular phenotype. Last evaluated: 2023-11-30. Review status: criteria provided, single submitter. Criteria: Ambry Variant Classification Scheme 2023. Collection method: clinical testing. Allele origin: germline.
Comment: The p.A509D variant (also known as c.1526C>A), located in coding exon 5 of the ALPK3 gene, results from a C to A substitution at nucleotide position 1526. The alanine at codon 509 is replaced by aspartic acid, an amino acid with dissimilar properties. This amino acid position is conserved. In addition, this alteration is predicted to be tolerated by in silico analysis. Since supporting evidence is limited at this time, the clinical significance of this alteration remains unclear.